The following is an entry in ClinVar:

NM_033118.4(MYLK2):c.1631C>A (p.Ala544Glu)

Gene: MYLK2 (myosin light chain kinase 2; plus strand). Cytogenetic location: 20q11.21.
Variant type: single nucleotide variant.
Coding change: c.1631C>A on transcript NM_033118.4 (MANE Select); coding-DNA position 1631, C replaced by A.
Protein change: p.Ala544Glu; replaces alanine 544 with glutamic acid.
Molecular consequence: missense variant.
Genome position (GRCh38, 1-based): chr20:31,832,057, C>A. VCF-style: chr20-31832057-C-A. GRCh37 (hg19) VCF-style: chr20-30419860-C-A.
Other names: short protein forms A544E.
Identifiers: ClinVar variation 3915794 (VCV003915794.1).

ClinVar aggregate classification (germline): Uncertain significance (1 of 4 stars; one submission).

gnomAD v4.1: 1 of 1,606,240 alleles (0.000062%); highest among the groups gnomAD compares: Admixed American, 0.0017%; no homozygotes.

Submission:

Ambry Genetics
Classification: Uncertain significance. Last evaluated: 2025-05-14. Review status: criteria provided, single submitter. Criteria: Ambry Variant Classification Scheme 2023. Collection method: clinical testing. Allele origin: germline.
Comment: The p.A544E variant (also known as c.1631C>A), located in coding exon 11 of the MYLK2 gene, results from a C to A substitution at nucleotide position 1631. The alanine at codon 544 is replaced by glutamic acid, an amino acid with dissimilar properties. This amino acid position is conserved. In addition, this alteration is predicted to be tolerated by in silico analysis. Based on the available evidence, the clinical significance of this variant remains unclear.